The following is an entry in ClinVar:

ClinVar aggregate classification (germline): Uncertain significance (1 of 4 stars; one submission).

Conditions:
Symmetrical dyschromatosis of extremities (DSH). Also called: DYSCHROMATOSIS SYMMETRICA HEREDITARIA 1; RETICULATE ACROPIGMENTATION OF DOHI; SYMMETRIC DYSCHROMATOSIS OF THE EXTREMITIES; Dyschromatosis symmetrica hereditaria. Identifiers: Orphanet 41, MedGen C0406775, MONDO:0007483, OMIM 127400.
Aicardi-Goutieres syndrome 6 (AGS6). Identifiers: Orphanet 51, MedGen C3539013, MONDO:0014007, OMIM 615010.

Allele frequency attached by ClinVar (database versions not stated): TOPMed below 0.00001; gnomAD exomes 0.00001; ExAC 0.00002.

Submission:

Labcorp Genetics (formerly Invitae), Labcorp
Classification: Uncertain significance for Aicardi-Goutieres syndrome 6; Symmetrical dyschromatosis of extremities. Last evaluated: 2024-03-16. Review status: criteria provided, single submitter. Criteria: Invitae Variant Classification Sherloc (09022015). Collection method: clinical testing. Allele origin: germline.
Comment: This sequence change replaces isoleucine, which is neutral and non-polar, with methionine, which is neutral and non-polar, at codon 352 of the ADAR protein (p.Ile352Met). This variant is present in population databases (rs775227479, gnomAD 0.002%). This variant has not been reported in the literature in individuals affected with ADAR-related conditions. Advanced modeling of protein sequence and biophysical properties (such as structural, functional, and spatial information, amino acid conservation, physicochemical variation, residue mobility, and thermodynamic stability) performed at Invitae indicates that this missense variant is not expected to disrupt ADAR protein function with a negative predictive value of 80%. In summary, the available evidence is currently insufficient to determine the role of this variant in disease. Therefore, it has been classified as a Variant of Uncertain Significance.

NM_001111.5(ADAR):c.1056A>G (p.Ile352Met)

Gene: ADAR (adenosine deaminase RNA specific; minus strand). Cytogenetic location: 1q21.3.
Variant type: single nucleotide variant.
Coding change: c.1056A>G on transcript NM_001111.5 (MANE Select); coding-DNA position 1056, A replaced by G.
Protein change: p.Ile352Met; replaces isoleucine 352 with methionine.
Molecular consequence: missense variant.
Genome position (GRCh38, 1-based): chr1:154,601,586, T>C on the plus strand (A>G on the coding strand, the complement: ADAR is on the minus strand). VCF-style: chr1-154601586-T-C. GRCh37 (hg19) VCF-style: chr1-154574062-T-C.
Other names: c.171A>G, p.Ile57Met (NM_001365046.1, NM_001365047.1, NM_001365048.1 and 3 more transcripts); c.1056A>G, p.Ile352Met (NM_015840.4, NM_015841.4); c.1083A>G, p.Ile361Met (NM_001365045.1); short protein forms I352M, I361M, I57M.
Identifiers: ClinVar variation 2934280 (VCV002934280.3), dbSNP rs775227479, ClinGen allele CA1131595.
Genomic context (GRCh38, chr1:154,601,586, plus strand): 5'-AACACTGTTCGTATTTCTCTTGATTTGCATCCTCTCTCGCTTCTTGTCTGTCAAATGCCA[T>C]ATGGGAGGGGTTGTCCCTTGTCTATAGACATCCCCCTGCCTTTCCATGTCAATTAGCACA-3'
Protein context (NP_001102.3, residues 342-362): DVYRQGTTPP[Ile352Met]WHLTDKKRER